The following is an entry in ClinVar:

ClinVar aggregate classification (germline): Benign/Likely benign. Review status: criteria provided, multiple submitters, no conflicts (2 of 4 stars). 9 submissions from 9 submitters: Benign (5); Likely benign (2). 2 of the submissions do not count toward it. Last evaluated 2026-02-01.

Conditions:
CDK4-related disorder. Also called: CDK4-related condition.
Familial melanoma. Also called: Hereditary melanoma; Hereditary cutaneous melanoma. Identifiers: Orphanet 618, MedGen C1512419, MONDO:0018961.
Hereditary cancer-predisposing syndrome. Also called: Hereditary neoplastic syndrome; Neoplastic Syndromes, Hereditary; Tumor predisposition; Hereditary Cancer Syndrome. Identifiers: Orphanet 140162, MedGen C0027672, MeSH D009386, MONDO:0015356.
Melanoma, cutaneous malignant, susceptibility to, 3. Also called: Cutaneous malignant melanoma 3. Identifiers: Orphanet 618, MedGen C1836892, MONDO:0012183, OMIM 609048.

Allele frequency attached by ClinVar (database versions not stated): ESP Exome Variant Server 0.00008; TOPMed 0.00017; gnomAD 0.00019; 1000 Genomes Project 30x 0.00141; 1000 Genomes Project 0.00160.

Submissions (9):

Labcorp Genetics (formerly Invitae), Labcorp
Classification: Benign for Familial melanoma. Last evaluated: 2026-02-01. Review status: criteria provided, single submitter. Criteria: Invitae Variant Classification Sherloc (09022015). Collection method: clinical testing. Allele origin: germline.

Quest Diagnostics Nichols Institute San Juan Capistrano
Classification: Benign. Last evaluated: 2025-07-23. Review status: criteria provided, single submitter. Criteria: Quest Diagnostics criteria. Collection method: clinical testing. Allele origin: unknown.

Myriad Genetics, Inc.
Classification: Benign for Melanoma, cutaneous malignant, susceptibility to, 3. Last evaluated: 2023-03-07. Review status: criteria provided, single submitter. Criteria: Myriad Autosomal Dominant, Autosomal Recessive and X-Linked Classification Criteria (2023). Collection method: clinical testing. Allele origin: unknown.
Comment: This variant is considered benign. This variant is a silent/synonymous amino acid change and it is not expected to impact splicing.

Women's Health and Genetics/Laboratory Corporation of America, LabCorp
Classification: Benign. Last evaluated: 2021-07-03. Review status: criteria provided, single submitter. Criteria: LabCorp Variant Classification Summary - May 2015. Collection method: clinical testing. Allele origin: germline.

GeneDx
Classification: Likely benign. Last evaluated: 2020-12-09. Review status: criteria provided, single submitter. Criteria: GeneDx Variant Classification Process June 2021. Collection method: clinical testing. Allele origin: germline. Affected: yes.

Sema4
Classification: Benign for Hereditary cancer-predisposing syndrome. Last evaluated: 2020-11-29. Review status: criteria provided, single submitter. Criteria: Sema4 Curation Guidelines. Collection method: curation. Allele origin: germline.

Ambry Genetics
Classification: Likely benign for Hereditary cancer-predisposing syndrome. Last evaluated: 2014-11-20. Review status: criteria provided, single submitter. Criteria: Ambry Variant Classification Scheme 2023. Collection method: clinical testing. Allele origin: germline.

PreventionGenetics, part of Exact Sciences
Classification: Likely benign for CDK4-related condition. Last evaluated: 2020-10-23. Review status: no assertion criteria provided. Collection method: clinical testing. Allele origin: germline. Not counted in ClinVar's aggregate classification.
Comment: This variant is classified as likely benign based on ACMG/AMP sequence variant interpretation guidelines (Richards et al. 2015 PMID: 25741868, with internal and published modifications).

Counsyl
Classification: Likely benign for Melanoma, cutaneous malignant, susceptibility to, 3. Last evaluated: 2016-07-13. Review status: no assertion criteria provided. Collection method: clinical testing. Allele origin: unknown. Not counted in ClinVar's aggregate classification.

NM_000075.4(CDK4):c.306A>G (p.Thr102=)

Gene: CDK4 (cyclin dependent kinase 4; minus strand). Cytogenetic location: 12q14.1.
Variant type: single nucleotide variant.
Coding change: c.306A>G on transcript NM_000075.4 (MANE Select); coding-DNA position 306, A replaced by G.
Protein change: p.Thr102=; no amino-acid change (threonine 102 retained).
Molecular consequence: synonymous variant.
Genome position (GRCh38, 1-based): chr12:57,751,255, T>C on the plus strand (A>G on the coding strand, the complement: CDK4 is on the minus strand). VCF-style: chr12-57751255-T-C. GRCh37 (hg19) VCF-style: chr12-58145038-T-C.
Other names: c.306A>G (LRG_490t1).
Identifiers: ClinVar variation 184409 (VCV000184409.26), dbSNP rs201202764, ClinGen allele CA188874.